The following is an entry in ClinVar:

NM_006267.5(RANBP2):c.2048_2049dup (p.Ala684fs)

Gene: RANBP2 (RAN binding protein 2; plus strand). Cytogenetic location: 2q13.
Variant type: Duplication.
Coding change: c.2048_2049dup on transcript NM_006267.5 (MANE Select); coding-DNA positions 2048 to 2049, 2 bases duplicated (TT; older notation c.2048_2049dupTT).
Protein change: p.Ala684fs; shifts the reading frame from alanine 684.
Molecular consequence: frameshift variant.
Genome position (GRCh38, 1-based): chr2:108,753,556-108,753,557, TT duplicated. VCF-style (leftmost placement, unchanged base first): chr2-108753555-C-CTT. GRCh37 (hg19) VCF-style: chr2-109370011-C-CTT.
Other names: c.2048_2049dup, p.Ala684fs (NM_001415871.1, NM_001415873.1); c.2045_2046dup, p.Ala683fs (NM_001415872.1); short protein forms A683fs, A684fs.
Identifiers: ClinVar variation 2497891 (VCV002497891.1), dbSNP rs2467526074, ClinGen allele CA2580063724.
Genomic context (GRCh38, chr2:108,753,555, plus strand): 5'-AATATAGAAGATGCTGTGACTGCTTTTGAATCTATAAAAAGTGTTGTTTCTTATTGGAAT[C>CTT]TTGCACTGGTAAGTAGATGCAGTACTTGAGCTAAAAGTTTTATTTATTTATTTATTATTT-3'

ClinVar aggregate classification (germline): Uncertain significance (1 of 4 stars; one submission).

Submission:

GeneDx
Classification: Uncertain significance. Last evaluated: 2023-04-06. Review status: criteria provided, single submitter. Criteria: GeneDx Variant Classification Process June 2021. Collection method: clinical testing. Allele origin: germline. Affected: yes.
Comment: Not observed at significant frequency in large population cohorts (gnomAD); Frameshift variant predicted to result in protein truncation or nonsense mediated decay in a gene for which loss-of-function is not a known mechanism of disease; Has not been previously published as pathogenic or benign to our knowledge